The following is an entry in ClinVar:

NM_000548.5(TSC2):c.2636C>T (p.Ser879Phe)

Gene: TSC2 (TSC complex subunit 2; plus strand). Cytogenetic location: 16p13.3.
Variant type: single nucleotide variant.
Coding change: c.2636C>T on transcript NM_000548.5 (MANE Select); coding-DNA position 2636, C replaced by T.
Protein change: p.Ser879Phe; replaces serine 879 with phenylalanine.
Molecular consequence: missense variant.
Genome position (GRCh38, 1-based): chr16:2,075,889, C>T. VCF-style: chr16-2075889-C-T. GRCh37 (hg19) VCF-style: chr16-2125890-C-T.
Other names: c.2636C>T, p.Ser879Phe (NM_001077183.3, NM_001114382.3, NM_001363528.2 and 3 more transcripts); c.2525C>T, p.Ser842Phe (NM_001318827.2); c.2489C>T, p.Ser830Phe (NM_001318829.2); c.2036C>T, p.Ser679Phe (NM_001318831.2); c.2669C>T, p.Ser890Phe (NM_001318832.2); short protein forms S879F, S679F, S830F, S842F, S890F.
Identifiers: ClinVar variation 467954 (VCV000467954.8), dbSNP rs1555508444, ClinGen allele CA394278481.

ClinVar aggregate classification (germline): Uncertain significance (1 of 4 stars; one submission).

Conditions:
Tuberous sclerosis 2 (TSC2). Identifiers: Orphanet 805, MedGen C1860707, MONDO:0013199, OMIM 613254.

Submission:

Labcorp Genetics (formerly Invitae), Labcorp
Classification: Uncertain significance for Tuberous sclerosis 2. Last evaluated: 2022-02-05. Review status: criteria provided, single submitter. Criteria: Invitae Variant Classification Sherloc (09022015). Collection method: clinical testing. Allele origin: germline.
Comment: This variant is not present in population databases (gnomAD no frequency). This sequence change replaces serine, which is neutral and polar, with phenylalanine, which is neutral and non-polar, at codon 879 of the TSC2 protein (p.Ser879Phe). This variant has not been reported in the literature in individuals affected with TSC2-related conditions. In summary, the available evidence is currently insufficient to determine the role of this variant in disease. Therefore, it has been classified as a Variant of Uncertain Significance. Advanced modeling of protein sequence and biophysical properties (such as structural, functional, and spatial information, amino acid conservation, physicochemical variation, residue mobility, and thermodynamic stability) performed at Invitae indicates that this missense variant is not expected to disrupt TSC2 protein function. ClinVar contains an entry for this variant (Variation ID: 467954).